The following is an entry in ClinVar:

NM_006412.4(AGPAT2):c.269G>C (p.Arg90Pro)

Gene: AGPAT2 (1-acylglycerol-3-phosphate O-acyltransferase 2; minus strand). Cytogenetic location: 9q34.3.
Variant type: single nucleotide variant.
Coding change: c.269G>C on transcript NM_006412.4 (MANE Select); coding-DNA position 269, G replaced by C.
Protein change: p.Arg90Pro; replaces arginine 90 with proline.
Molecular consequence: missense variant.
Genome position (GRCh38, 1-based): chr9:136,677,470, C>G on the plus strand (G>C on the coding strand, the complement: AGPAT2 is on the minus strand). VCF-style: chr9-136677470-C-G. GRCh37 (hg19) VCF-style: chr9-139571922-C-G.
Other names: c.269G>C, p.Arg90Pro (NM_001012727.2); c.269G>C (NM_006412.3); short protein forms R90P.
Identifiers: ClinVar variation 1338051 (VCV001338051.6), dbSNP rs142176861, ClinGen allele CA5343092.

ClinVar aggregate classification (germline): Uncertain significance. Review status: criteria provided, multiple submitters, no conflicts (2 of 4 stars). 3 submissions from 3 submitters: Uncertain significance (3). Last evaluated 2024-01-19.

Conditions:
Inborn genetic diseases. Identifiers: MedGen C0950123, MeSH D030342.
Congenital generalized lipodystrophy type 1 (CGL1). Also called: Berardinelli-Seip Congenital Lipodystrophy Type 1; BRUNZELL SYNDROME, AGPAT2-RELATED. Identifiers: Orphanet 528, Orphanet 696189, MedGen C1720862, MONDO:0012071, OMIM 608594.

gnomAD v4.1: 77 of 1,612,990 alleles (0.0048%); highest among the groups gnomAD compares: Non-Finnish European, 0.0062%; no homozygotes.

Submissions (3):

Ambry Genetics
Classification: Uncertain significance for Inborn genetic diseases. Last evaluated: 2024-01-19. Review status: criteria provided, single submitter. Criteria: Ambry Variant Classification Scheme 2023. Collection method: clinical testing. Allele origin: germline.

Fulgent Genetics
Classification: Uncertain significance for Congenital generalized lipodystrophy type 1. Last evaluated: 2022-02-04. Review status: criteria provided, single submitter. Criteria: ACMG Guidelines, 2015. Collection method: clinical testing. Allele origin: unknown.

Genetic Services Laboratory, University of Chicago
Classification: Uncertain significance. Last evaluated: 2021-08-02. Review status: criteria provided, single submitter. Criteria: ACMG Guidelines, 2015. Collection method: clinical testing. Allele origin: germline. Affected: no.
Comment: DNA sequence analysis of the AGPAT2 gene demonstrated a sequence change, c.269G>C, in exon 2 that results in an amino acid change, p.Arg90Pro. This sequence change does not appear to have been previously described in individuals with AGPAT2-related disorders. This sequence change has been described in the gnomAD database with a low frequency of 0.006% in the non-Finnish European subpopulation (dbSNP rs142176861). The p.Arg90Pro change affects a poorly conserved amino acid residue located in a domain of the AGPAT2 protein that is known to be functional. The p.Arg90Pro substitution appears to be benign using several in-silico pathogenicity prediction tools (SIFT, PolyPhen2, Align GVGD, REVEL). Due to the lack of sufficient evidence, the clinical significance of the p.Arg90Pro change remains unknown at this time.